The following is an entry in ClinVar:

ClinVar aggregate classification (germline): Uncertain significance. Review status: criteria provided, multiple submitters, no conflicts (2 of 4 stars). 2 submissions from 2 submitters: Uncertain significance (2). Last evaluated 2023-08-09.

Conditions:
Hereditary cancer-predisposing syndrome. Also called: Hereditary Cancer Syndrome; Hereditary neoplastic syndrome; Neoplastic Syndromes, Hereditary; Tumor predisposition. Identifiers: Orphanet 140162, MedGen C0027672, MeSH D009386, MONDO:0015356.

Submissions (2):

Labcorp Genetics (formerly Invitae), Labcorp
Classification: Uncertain significance for Hereditary cancer-predisposing syndrome. Last evaluated: 2023-08-09. Review status: criteria provided, single submitter. Criteria: Invitae Variant Classification Sherloc (09022015). Collection method: clinical testing. Allele origin: germline.
Comment: This variant is not present in population databases (gnomAD no frequency). In summary, the available evidence is currently insufficient to determine the role of this variant in disease. Therefore, it has been classified as a Variant of Uncertain Significance. Advanced modeling of protein sequence and biophysical properties (such as structural, functional, and spatial information, amino acid conservation, physicochemical variation, residue mobility, and thermodynamic stability) has been performed at Invitae for this missense variant, however the output from this modeling did not meet the statistical confidence thresholds required to predict the impact of this variant on RAD50 protein function. ClinVar contains an entry for this variant (Variation ID: 1768735). This variant has not been reported in the literature in individuals affected with RAD50-related conditions. This sequence change replaces leucine, which is neutral and non-polar, with proline, which is neutral and non-polar, at codon 332 of the RAD50 protein (p.Leu332Pro).

Ambry Genetics
Classification: Uncertain significance for Hereditary cancer-predisposing syndrome. Last evaluated: 2020-05-27. Review status: criteria provided, single submitter. Criteria: Ambry Variant Classification Scheme 2023. Collection method: clinical testing. Allele origin: germline.
Comment: The p.L332P variant (also known as c.995T>C), located in coding exon 7 of the RAD50 gene, results from a T to C substitution at nucleotide position 995. The leucine at codon 332 is replaced by proline, an amino acid with similar properties. This amino acid position is not well conserved in available vertebrate species. In addition, this alteration is predicted to be tolerated by in silico analysis. Since supporting evidence is limited at this time, the clinical significance of this alteration remains unclear.

NM_005732.4(RAD50):c.995T>C (p.Leu332Pro)

Gene: RAD50 (RAD50 double strand break repair protein; plus strand). Cytogenetic location: 5q31.1.
Variant type: single nucleotide variant.
Coding change: c.995T>C on transcript NM_005732.4 (MANE Select); coding-DNA position 995, T replaced by C.
Protein change: p.Leu332Pro; replaces leucine 332 with proline.
Molecular consequence: missense variant.
Genome position (GRCh38, 1-based): chr5:132,588,033, T>C. VCF-style: chr5-132588033-T-C. GRCh37 (hg19) VCF-style: chr5-131923725-T-C.
Other names: short protein forms L332P.
Identifiers: ClinVar variation 1768735 (VCV001768735.5), dbSNP rs1750627042, ClinGen allele CA360941350.
Genomic context (GRCh38, chr5:132,588,033, plus strand): 5'-AGAGAACAGTAAGGGAGAAAGAAAGGAAATTGGTAGACTGTCATCGTGAACTGGAAAAAC[T>C]AAATAAAGAATCTAGGCTTCTCAATCAGGAAAAATCAGAACTGCTTGTTGAACAGGGTAG-3'
Protein context (NP_005723.2, residues 322-342): LVDCHRELEK[Leu332Pro]NKESRLLNQE